The following is an entry in ClinVar:

ClinVar aggregate classification (germline): Uncertain significance (1 of 4 stars; one submission).

Allele frequency attached by ClinVar (database versions not stated): ExAC 0.00001; gnomAD exomes 0.00001.

Submission:

GeneDx
Classification: Uncertain significance. Last evaluated: 2022-10-11. Review status: criteria provided, single submitter. Criteria: GeneDx Variant Classification Process June 2021. Collection method: clinical testing. Allele origin: germline. Affected: yes.
Comment: Not observed at significant frequency in large population cohorts (gnomAD); In silico analysis supports that this missense variant does not alter protein structure/function; Has not been previously published as pathogenic or benign to our knowledge

NM_024996.7(GFM1):c.130G>A (p.Glu44Lys)

Gene: GFM1 (G elongation factor mitochondrial 1; plus strand). Cytogenetic location: 3q25.32.
Variant type: single nucleotide variant.
Coding change: c.130G>A on transcript NM_024996.7 (MANE Select); coding-DNA position 130, G replaced by A.
Protein change: p.Glu44Lys; replaces glutamic acid 44 with lysine.
Molecular consequence: missense variant. On other transcripts: 5 prime UTR variant (4), non-coding transcript variant (4).
Genome position (GRCh38, 1-based): chr3:158,645,677, G>A. VCF-style: chr3-158645677-G-A. GRCh37 (hg19) VCF-style: chr3-158363466-G-A.
Other names: c.130G>A, p.Glu44Lys (NM_001308164.2, NM_001308166.2, NM_001374355.1 and 2 more transcripts); c.-96G>A (NM_001374357.1); c.-100G>A (NM_001374359.1, NM_001374360.1, NM_001374361.1); short protein forms E44K.
Identifiers: ClinVar variation 2499286 (VCV002499286.1), dbSNP rs777347506, ClinGen allele CA2682230.